The following is an entry in ClinVar:

NM_015272.5(RPGRIP1L):c.1675G>A (p.Ala559Thr)

Gene: RPGRIP1L (RPGRIP1 like; minus strand). Cytogenetic location: 16q12.2.
Variant type: single nucleotide variant.
Coding change: c.1675G>A on transcript NM_015272.5 (MANE Select); coding-DNA position 1675, G replaced by A.
Protein change: p.Ala559Thr; replaces alanine 559 with threonine.
Molecular consequence: missense variant.
Genome position (GRCh38, 1-based): chr16:53,656,496, C>T on the plus strand (G>A on the coding strand, the complement: RPGRIP1L is on the minus strand). VCF-style: chr16-53656496-C-T. GRCh37 (hg19) VCF-style: chr16-53690408-C-T.
Other names: c.1675G>A, p.Ala559Thr (NM_001127897.4, NM_001308334.3, NM_001330538.2); short protein forms A559T.
Identifiers: ClinVar variation 2056859 (VCV002056859.1), dbSNP rs2544263722, ClinGen allele CA395918041.

ClinVar aggregate classification (germline): Uncertain significance (1 of 4 stars; one submission).

Conditions:
Joubert syndrome. Also called: CEREBELLOPARENCHYMAL DISORDER IV; JOUBERT-BOLTSHAUSER SYNDROME; Familial aplasia of the vermis. Identifiers: Orphanet 475, MedGen C5979921, MONDO:0018772.
Meckel-Gruber syndrome. Also called: DYSENCEPHALIA SPLANCHNOCYSTICA; GRUBER SYNDROME; Dysencephalia splachnocystica. Identifiers: Orphanet 564, MedGen C0265215, MONDO:0018921.

Submission:

Labcorp Genetics (formerly Invitae), Labcorp
Classification: Uncertain significance for Joubert syndrome; Meckel-Gruber syndrome. Last evaluated: 2022-08-07. Review status: criteria provided, single submitter. Criteria: Invitae Variant Classification Sherloc (09022015). Collection method: clinical testing. Allele origin: germline.
Comment: This sequence change replaces alanine, which is neutral and non-polar, with threonine, which is neutral and polar, at codon 559 of the RPGRIP1L protein (p.Ala559Thr). This variant is not present in population databases (gnomAD no frequency). This variant has not been reported in the literature in individuals affected with RPGRIP1L-related conditions. Algorithms developed to predict the effect of missense changes on protein structure and function (SIFT, PolyPhen-2, Align-GVGD) all suggest that this variant is likely to be tolerated. Algorithms developed to predict the effect of sequence changes on RNA splicing suggest that this variant may disrupt the consensus splice site. In summary, the available evidence is currently insufficient to determine the role of this variant in disease. Therefore, it has been classified as a Variant of Uncertain Significance.